The following is an entry in ClinVar:

NM_006509.4(RELB):c.1420C>T (p.Pro474Ser)

Gene: RELB (RELB proto-oncogene, NF-kB subunit; plus strand). Cytogenetic location: 19q13.32.
Variant type: single nucleotide variant.
Coding change: c.1420C>T on transcript NM_006509.4 (MANE Select); coding-DNA position 1420, C replaced by T.
Protein change: p.Pro474Ser; replaces proline 474 with serine.
Molecular consequence: missense variant.
Genome position (GRCh38, 1-based): chr19:45,037,470, C>T. VCF-style: chr19-45037470-C-T. GRCh37 (hg19) VCF-style: chr19-45540728-C-T.
Other names: c.1411C>T, p.Pro471Ser (NM_001411087.1); short protein forms P471S, P474S.
Identifiers: ClinVar variation 4720765 (VCV004720765.1).

ClinVar aggregate classification (germline): Uncertain significance (1 of 4 stars; one submission).

Submission:

Labcorp Genetics (formerly Invitae), Labcorp
Classification: Uncertain significance. Last evaluated: 2025-06-04. Review status: criteria provided, single submitter. Criteria: Invitae Variant Classification Sherloc (09022015). Collection method: clinical testing. Allele origin: germline.
Comment: This sequence change replaces proline, which is neutral and non-polar, with serine, which is neutral and polar, at codon 474 of the RELB protein (p.Pro474Ser). This variant is not present in population databases (gnomAD no frequency). This variant has not been reported in the literature in individuals affected with RELB-related conditions. An algorithm developed to predict the effect of missense changes on protein structure and function (PolyPhen-2) suggests that this variant is likely to be tolerated. In summary, the available evidence is currently insufficient to determine the role of this variant in disease. Therefore, it has been classified as a Variant of Uncertain Significance.